The following is an entry in ClinVar:

NM_058216.3(RAD51C):c.601C>A (p.Leu201Ile)

Genes: RAD51C (RAD51 paralog C; plus strand), LOC129390903 (MPRA-validated peak2919 silencer; plus strand). Cytogenetic location: 17q22.
Variant type: single nucleotide variant.
Coding change: c.601C>A on transcript NM_058216.3 (MANE Select); coding-DNA position 601, C replaced by A.
Protein change: p.Leu201Ile; replaces leucine 201 with isoleucine.
Molecular consequence: missense variant. On other transcripts: non-coding transcript variant (1).
Genome position (GRCh38, 1-based): chr17:58,703,225, C>A. VCF-style: chr17-58703225-C-A. GRCh37 (hg19) VCF-style: chr17-56780586-C-A.
Other names: short protein forms L201I.
Identifiers: ClinVar variation 3786496 (VCV003786496.1).

ClinVar aggregate classification (germline): Uncertain significance (1 of 4 stars; one submission).

Conditions:
Hereditary cancer-predisposing syndrome. Also called: Neoplastic Syndromes, Hereditary; Hereditary Cancer Syndrome; Tumor predisposition; Hereditary neoplastic syndrome. Identifiers: Orphanet 140162, MedGen C0027672, MeSH D009386, MONDO:0015356.

gnomAD v4.1: 1 of 1,610,452 alleles (0.000062%); highest among the groups gnomAD compares: South Asian, 0.0011%; no homozygotes.

Submission:

Ambry Genetics
Classification: Uncertain significance for Hereditary cancer-predisposing syndrome. Last evaluated: 2025-02-03. Review status: criteria provided, single submitter. Criteria: Ambry Variant Classification Scheme 2023. Collection method: clinical testing. Allele origin: germline.
Comment: The p.L201I variant (also known as c.601C>A), located in coding exon 4 of the RAD51C gene, results from a C to A substitution at nucleotide position 601. The leucine at codon 201 is replaced by isoleucine, an amino acid with highly similar properties. This amino acid position is conserved. In addition, this alteration is predicted to be tolerated by in silico analysis. Based on the available evidence, the clinical significance of this variant remains unclear.